The following is an entry in ClinVar:

ClinVar aggregate classification (germline): Uncertain significance (1 of 4 stars; one submission).

Submission:

GeneDx
Classification: Uncertain significance. Last evaluated: 2023-03-06. Review status: criteria provided, single submitter. Criteria: GeneDx Variant Classification Process June 2021. Collection method: clinical testing. Allele origin: germline. Affected: yes.
Comment: Not observed at significant frequency in large population cohorts (gnomAD); In silico analysis supports that this missense variant does not alter protein structure/function; Has not been previously published as pathogenic or benign to our knowledge; This variant is associated with the following publications: (PMID: 24485656)

NM_024675.4(PALB2):c.2395A>C (p.Thr799Pro)

Gene: PALB2 (partner and localizer of BRCA2; minus strand). Cytogenetic location: 16p12.2.
Variant type: single nucleotide variant.
Coding change: c.2395A>C on transcript NM_024675.4 (MANE Select); coding-DNA position 2395, A replaced by C.
Protein change: p.Thr799Pro; replaces threonine 799 with proline.
Molecular consequence: missense variant.
Genome position (GRCh38, 1-based): chr16:23,629,759, T>G on the plus strand (A>C on the coding strand, the complement: PALB2 is on the minus strand). VCF-style: chr16-23629759-T-G. GRCh37 (hg19) VCF-style: chr16-23641080-T-G.
Other names: p.T799P:ACC>CCC; short protein forms T799P.
Identifiers: ClinVar variation 128132 (VCV000128132.3), dbSNP rs587780212, ClinGen allele CA288448.